The following is an entry in ClinVar:

ClinVar aggregate classification (germline): Uncertain significance (1 of 4 stars; one submission).

Conditions:
Developmental and epileptic encephalopathy, 11 (DEE11). Also called: Early infantile epileptic encephalopathy 11. Identifiers: Orphanet 1934, MedGen C3150987, MONDO:0013388, OMIM 613721.
Seizures, benign familial infantile, 3 (BFIS3). Also called: CONVULSIONS, BENIGN FAMILIAL INFANTILE, 3; Familial neonatal seizures. Identifiers: Orphanet 140927, Orphanet 306, MedGen C1843140, MONDO:0011904, OMIM 607745.

Submission:

Labcorp Genetics (formerly Invitae), Labcorp
Classification: Uncertain significance for Seizures, benign familial infantile, 3; Developmental and epileptic encephalopathy, 11. Last evaluated: 2025-02-12. Review status: criteria provided, single submitter. Criteria: Invitae Variant Classification Sherloc (09022015). Collection method: clinical testing. Allele origin: germline.
Comment: This sequence change replaces leucine, which is neutral and non-polar, with isoleucine, which is neutral and non-polar, at codon 337 of the SCN2A protein (p.Leu337Ile). This variant is not present in population databases (gnomAD no frequency). This variant has not been reported in the literature in individuals affected with SCN2A-related conditions. Invitae Evidence Modeling of protein sequence and biophysical properties (such as structural, functional, and spatial information, amino acid conservation, physicochemical variation, residue mobility, and thermodynamic stability) indicates that this missense variant is expected to disrupt SCN2A protein function with a positive predictive value of 80%. In summary, the available evidence is currently insufficient to determine the role of this variant in disease. Therefore, it has been classified as a Variant of Uncertain Significance.

NM_001040142.2(SCN2A):c.1009C>A (p.Leu337Ile)

Gene: SCN2A (sodium voltage-gated channel alpha subunit 2; plus strand). Cytogenetic location: 2q24.3.
Variant type: single nucleotide variant.
Coding change: c.1009C>A on transcript NM_001040142.2 (MANE Select); coding-DNA position 1009, C replaced by A.
Protein change: p.Leu337Ile; replaces leucine 337 with isoleucine.
Molecular consequence: missense variant.
Genome position (GRCh38, 1-based): chr2:165,312,063, C>A. VCF-style: chr2-165312063-C-A. GRCh37 (hg19) VCF-style: chr2-166168573-C-A.
Other names: c.1009C>A, p.Leu337Ile (NM_001040143.2, NM_001371246.1, NM_001371247.1 and 1 more transcripts); short protein forms L337I.
Identifiers: ClinVar variation 4789335 (VCV004789335.1).